The following is an entry in ClinVar:

ClinVar aggregate classification (germline): Uncertain significance (0 of 4 stars; one submission).

Conditions:
KMT2D-related disorder. Also called: KMT2D-Related Disorders.

Submission:

PreventionGenetics, part of Exact Sciences
Classification: Uncertain significance for KMT2D-related condition. Last evaluated: 2023-12-05. Review status: no assertion criteria provided. Collection method: clinical testing. Allele origin: germline.
Comment: The KMT2D c.11984T>C variant is predicted to result in the amino acid substitution p.Val3995Ala. To our knowledge, this variant has not been reported in the literature or in a large population database, indicating this variant is rare. At this time, the clinical significance of this variant is uncertain due to the absence of conclusive functional and genetic evidence.

NM_003482.4(KMT2D):c.11984T>C (p.Val3995Ala)

Gene: KMT2D (lysine methyltransferase 2D; minus strand). Cytogenetic location: 12q13.12.
Variant type: single nucleotide variant.
Coding change: c.11984T>C on transcript NM_003482.4 (MANE Select); coding-DNA position 11984, T replaced by C.
Protein change: p.Val3995Ala; replaces valine 3995 with alanine.
Molecular consequence: missense variant.
Genome position (GRCh38, 1-based): chr12:49,032,721, A>G on the plus strand (T>C on the coding strand, the complement: KMT2D is on the minus strand). VCF-style: chr12-49032721-A-G. GRCh37 (hg19) VCF-style: chr12-49426504-A-G.
Other names: short protein forms V3995A.
Identifiers: ClinVar variation 3047765 (VCV003047765.2), dbSNP rs2120433950, ClinGen allele CA384713554.
Genomic context (GRCh38, chr12:49,032,721, plus strand): 5'-AGGGCTCCAGGGCTAGAAAAGTGTTGAAGAGGCTTTGCTGGCATGCCAGGGCCAAGTGCC[A>G]CTTGCTGCTGCTGTTGTTGCTGAGGAGACAGTAAAGTTCGACTCTGGTTTAAAAGGCCCA-3'
Protein context (NP_003473.3, residues 3985-4005): LSPQQQQQQQ[Val3995Ala]ALGPGMPAKP